The following is an entry in ClinVar:

NM_014053.4(FLVCR1):c.49C>T (p.Pro17Ser)

Gene: FLVCR1 (FLVCR choline and heme transporter 1; plus strand). Cytogenetic location: 1q32.3.
Variant type: single nucleotide variant.
Coding change: c.49C>T on transcript NM_014053.4 (MANE Select); coding-DNA position 49, C replaced by T.
Protein change: p.Pro17Ser; replaces proline 17 with serine.
Molecular consequence: missense variant.
Genome position (GRCh38, 1-based): chr1:212,858,501, C>T. VCF-style: chr1-212858501-C-T. GRCh37 (hg19) VCF-style: chr1-213031843-C-T.
Other names: short protein forms P17S.
Identifiers: ClinVar variation 1350795 (VCV001350795.6), dbSNP rs543847452, ClinGen allele CA344795070.

ClinVar aggregate classification (germline): Uncertain significance (1 of 4 stars; one submission).

gnomAD v4.1: 1 of 1,447,380 alleles (0.000069%); highest among the groups gnomAD compares: Non-Finnish European, 0.000091%; no homozygotes.

Submission:

Labcorp Genetics (formerly Invitae), Labcorp
Classification: Uncertain significance. Last evaluated: 2024-02-23. Review status: criteria provided, single submitter. Criteria: Invitae Variant Classification Sherloc (09022015). Collection method: clinical testing. Allele origin: germline.
Comment: This sequence change replaces proline, which is neutral and non-polar, with serine, which is neutral and polar, at codon 17 of the FLVCR1 protein (p.Pro17Ser). This variant is not present in population databases (gnomAD no frequency). This variant has not been reported in the literature in individuals affected with FLVCR1-related conditions. ClinVar contains an entry for this variant (Variation ID: 1350795). An algorithm developed to predict the effect of missense changes on protein structure and function (PolyPhen-2) suggests that this variant is likely to be tolerated. In summary, the available evidence is currently insufficient to determine the role of this variant in disease. Therefore, it has been classified as a Variant of Uncertain Significance.